The following is an entry in ClinVar:

ClinVar aggregate classification (germline): Conflicting classifications of pathogenicity. Review status: criteria provided, conflicting classifications (1 of 4 stars). 2 submissions from 2 submitters: Uncertain significance (1); Likely benign (1). Last evaluated 2025-12-01.

Conditions:
CHARGE syndrome (CHARGE). Also called: CHARGE ASSOCIATION--COLOBOMA, HEART ANOMALY, CHOANAL ATRESIA, RETARDATION, GENITAL AND EAR ANOMALIES; Coloboma, heart anomaly, choanal atresia, retardation, genital and ear anomalies; CHARGE association; Hall-Hittner syndrome; Hittner Hirsch Kreh syndrome. Identifiers: Orphanet 138, MedGen C0265354, MONDO:0008965.

Allele frequency attached by ClinVar (database versions not stated): gnomAD exomes 0.00001 and 0.00002; TOPMed 0.00005; gnomAD 0.00006.
gnomAD v4.1: 42 of 1,613,840 alleles (0.0026%); highest among the groups gnomAD compares: African/African-American, 0.004%; no homozygotes.

Submissions (2):

Labcorp Genetics (formerly Invitae), Labcorp
Classification: Likely benign for CHARGE syndrome. Last evaluated: 2025-12-01. Review status: criteria provided, single submitter. Criteria: Invitae Variant Classification Sherloc (09022015). Collection method: clinical testing. Allele origin: germline.

GeneDx
Classification: Uncertain significance. Last evaluated: 2025-05-05. Review status: criteria provided, single submitter. Criteria: GeneDx Variant Classification Process June 2021. Collection method: clinical testing. Allele origin: germline.
Comment: In silico analysis supports that this missense variant has a deleterious effect on protein structure/function; Has not been previously published as pathogenic or benign to our knowledge

NM_017780.4(CHD7):c.6034G>A (p.Glu2012Lys)

Gene: CHD7 (chromodomain helicase DNA binding protein 7; plus strand). Cytogenetic location: 8q12.2.
Variant type: single nucleotide variant.
Coding change: c.6034G>A on transcript NM_017780.4 (MANE Select); coding-DNA position 6034, G replaced by A.
Protein change: p.Glu2012Lys; replaces glutamic acid 2012 with lysine.
Molecular consequence: missense variant. On other transcripts: intron variant (1).
Genome position (GRCh38, 1-based): chr8:60,852,637, G>A. VCF-style: chr8-60852637-G-A. GRCh37 (hg19) VCF-style: chr8-61765196-G-A.
Other names: c.1717-9592G>A (NM_001316690.1); short protein forms E2012K.
Identifiers: ClinVar variation 863181 (VCV000863181.9), dbSNP rs904822604, ClinGen allele CA177353952.
Genomic context (GRCh38, chr8:60,852,637, plus strand): 5'-TTTGACTGGAACCAATTTAGAGCCTTTGCCAGGCTTGACAAAAAATCTGATGAGAGTTTG[G>A]AGAAATACTTCAGTTGTTTTGTGGCCATGTGTAGGCGAGTATGTCGAATGCCCGTCAAGC-3'
Protein context (NP_060250.2, residues 2002-2022): RLDKKSDESL[Glu2012Lys]KYFSCFVAMC